The following is an entry in ClinVar:

NM_001100913.3(PACS2):c.45G>C (p.Ala15=)

Genes: BRF1 (BRF1 general transcription factor IIIB subunit; minus strand), PACS2 (phosphofurin acidic cluster sorting protein 2; plus strand). Cytogenetic location: 14q32.33.
Variant type: single nucleotide variant.
Coding change: c.45G>C on transcript NM_001100913.3 (MANE Select); coding-DNA position 45, G replaced by C.
Protein change: p.Ala15=; no amino-acid change (alanine 15 retained).
Molecular consequence: synonymous variant. On other transcripts: intron variant (4).
Genome position (GRCh38, 1-based): chr14:105,314,963, G>C. VCF-style: chr14-105314963-G-C. GRCh37 (hg19) VCF-style: chr14-105781300-G-C.
Other names: c.45G>C, p.Ala15= (NM_015197.4); c.-162+359C>G (NM_001440451.1, NM_001242787.2, NM_001242786.2); c.-83+13984G>C (NM_001243127.3).
Identifiers: ClinVar variation 2753153 (VCV002753153.4), dbSNP rs891116850, ClinGen allele CA266519698.

ClinVar aggregate classification (germline): Likely benign. Review status: criteria provided, single submitter (1 of 4 stars). 2 submissions from 2 submitters: Likely benign (1). 1 of the submissions does not count toward it. Last evaluated 2023-09-11.

Conditions:
PACS2-related disorder. Also called: PACS2-related condition.

Allele frequency attached by ClinVar (database versions not stated): TOPMed 0.00003.
gnomAD v4.1: 7 of 1,202,278 alleles (0.00058%); highest among the groups gnomAD compares: Non-Finnish European, 0.00074%; no homozygotes.

Submissions (2):

Labcorp Genetics (formerly Invitae), Labcorp
Classification: Likely benign. Last evaluated: 2023-09-11. Review status: criteria provided, single submitter. Criteria: Invitae Variant Classification Sherloc (09022015). Collection method: clinical testing. Allele origin: germline.

PreventionGenetics, part of Exact Sciences
Classification: Likely benign for PACS2-related condition. Last evaluated: 2024-09-01. Review status: no assertion criteria provided. Collection method: clinical testing. Allele origin: germline. Not counted in ClinVar's aggregate classification.
Comment: This variant is classified as likely benign based on ACMG/AMP sequence variant interpretation guidelines (Richards et al. 2015 PMID: 25741868, with internal and published modifications).